The following is an entry in ClinVar:

ClinVar aggregate classification (germline): Uncertain significance (1 of 4 stars; one submission).

Conditions:
Fanconi anemia (FA). Also called: Fanconi's anemia. Identifiers: Orphanet 84, MedGen C0015625, MeSH D005199, MONDO:0019391.

Allele frequency attached by ClinVar (database versions not stated): TOPMed below 0.00001.

Submission:

Labcorp Genetics (formerly Invitae), Labcorp
Classification: Uncertain significance for Fanconi anemia. Last evaluated: 2024-11-18. Review status: criteria provided, single submitter. Criteria: Invitae Variant Classification Sherloc (09022015). Collection method: clinical testing. Allele origin: germline.
Comment: This sequence change replaces cysteine, which is neutral and slightly polar, with phenylalanine, which is neutral and non-polar, at codon 1167 of the FANCI protein (p.Cys1167Phe). This variant is not present in population databases (gnomAD no frequency). This variant has not been reported in the literature in individuals affected with FANCI-related conditions. ClinVar contains an entry for this variant (Variation ID: 1381270). Invitae Evidence Modeling of protein sequence and biophysical properties (such as structural, functional, and spatial information, amino acid conservation, physicochemical variation, residue mobility, and thermodynamic stability) indicates that this missense variant is not expected to disrupt FANCI protein function with a negative predictive value of 80%. In summary, the available evidence is currently insufficient to determine the role of this variant in disease. Therefore, it has been classified as a Variant of Uncertain Significance.

NM_001113378.2(FANCI):c.3500G>T (p.Cys1167Phe)

Gene: FANCI (FA complementation group I; plus strand). Cytogenetic location: 15q26.1.
Variant type: single nucleotide variant.
Coding change: c.3500G>T on transcript NM_001113378.2 (MANE Select); coding-DNA position 3500, G replaced by T.
Protein change: p.Cys1167Phe; replaces cysteine 1167 with phenylalanine.
Molecular consequence: missense variant.
Genome position (GRCh38, 1-based): chr15:89,306,157, G>T. VCF-style: chr15-89306157-G-T. GRCh37 (hg19) VCF-style: chr15-89849388-G-T.
Other names: c.3221G>T, p.Cys1074Phe (NM_001376910.1); c.3500G>T, p.Cys1167Phe (NM_001376911.1); c.3320G>T, p.Cys1107Phe (NM_018193.3); short protein forms C1107F, C1074F, C1167F.
Identifiers: ClinVar variation 1381270 (VCV001381270.6), dbSNP rs1223721098, ClinGen allele CA393740652.